The following is an entry in ClinVar:

ClinVar aggregate classification (germline): Uncertain significance (1 of 4 stars; one submission).

gnomAD v4.1: 3 of 1,551,654 alleles (0.00019%); highest among the groups gnomAD compares: Non-Finnish European, 0.00026%; no homozygotes.

Submission:

Labcorp Genetics (formerly Invitae), Labcorp
Classification: Uncertain significance. Last evaluated: 2025-02-06. Review status: criteria provided, single submitter. Criteria: Invitae Variant Classification Sherloc (09022015). Collection method: clinical testing. Allele origin: germline.
Comment: This sequence change replaces proline, which is neutral and non-polar, with threonine, which is neutral and polar, at codon 97 of the MMP9 protein (p.Pro97Thr). The frequency data for this variant in the population databases is considered unreliable, as metrics indicate poor data quality at this position in the gnomAD database. This variant has not been reported in the literature in individuals affected with MMP9-related conditions. Invitae Evidence Modeling of protein sequence and biophysical properties (such as structural, functional, and spatial information, amino acid conservation, physicochemical variation, residue mobility, and thermodynamic stability) indicates that this missense variant is expected to disrupt MMP9 protein function with a positive predictive value of 80%. In summary, the available evidence is currently insufficient to determine the role of this variant in disease. Therefore, it has been classified as a Variant of Uncertain Significance.

NM_004994.3(MMP9):c.289C>A (p.Pro97Thr)

Gene: MMP9 (matrix metallopeptidase 9; plus strand). Cytogenetic location: 20q13.12.
Variant type: single nucleotide variant.
Coding change: c.289C>A on transcript NM_004994.3 (MANE Select); coding-DNA position 289, C replaced by A.
Protein change: p.Pro97Thr; replaces proline 97 with threonine.
Molecular consequence: missense variant.
Genome position (GRCh38, 1-based): chr20:46,010,016, C>A. VCF-style: chr20-46010016-C-A. GRCh37 (hg19) VCF-style: chr20-44638655-C-A.
Other names: short protein forms P97T.
Identifiers: ClinVar variation 4771767 (VCV004771767.1).
Genomic context (GRCh38, chr20:46,010,016, plus strand): 5'-CAACTGTCCCTGCCCGAGACCGGTGAGCTGGATAGCGCCACGCTGAAGGCCATGCGAACC[C>A]CACGGTGCGGGGTCCCAGACCTGGGCAGATTCCAAACCTTTGAGGGCGACCTCAAGTGGC-3'
Protein context (NP_004985.2, residues 87-107): DSATLKAMRT[Pro97Thr]RCGVPDLGRF